The following is an entry in ClinVar:

ClinVar aggregate classification (germline): Likely pathogenic (1 of 4 stars; one submission).

Conditions:
Peters plus syndrome. Also called: KRAUSE-KIVLIN SYNDROME. Identifiers: Orphanet 709, MedGen C0796012, MONDO:0009856, OMIM 261540.

Submission:

Juno Genomics, Hangzhou Juno Genomics, Inc
Classification: Likely pathogenic for Peters plus syndrome. Review status: criteria provided, single submitter. Criteria: ACMG Guidelines, 2015. Collection method: clinical testing. Allele origin: germline. Affected: yes.
Comment: Absent from controls (or at extremely low frequency if recessive) in Genome Aggregation Database, Exome Sequencing Project, 1000 Genomes Project, or Exome Aggregation Consortium.;Null variant in a gene where loss of function (LOF) is a known mechanism of disease.

NM_194318.4(B3GLCT):c.206_207del (p.Phe69fs)

Gene: B3GLCT (beta 3-glucosyltransferase; plus strand). Cytogenetic location: 13q12.3.
Variant type: Deletion.
Coding change: c.206_207del on transcript NM_194318.4 (MANE Select); coding-DNA positions 206 to 207, 2 bases deleted (TT; older notation c.206_207delTT).
Protein change: p.Phe69fs; shifts the reading frame from phenylalanine 69.
Molecular consequence: frameshift variant.
Genome position (GRCh38, 1-based): chr13:31,229,230-31,229,231, TT deleted; deleting any 2 consecutive bases within chr13:31,229,228-31,229,231 gives the same sequence; the c. name uses the placement nearest the transcript's 3' end. VCF-style (leftmost placement, unchanged base first): chr13-31229227-CTT-C. GRCh37 (hg19) VCF-style: chr13-31803364-CTT-C.
Other names: short protein forms F69fs.
Identifiers: ClinVar variation 3382088 (VCV003382088.2).